The following is an entry in ClinVar:

ClinVar aggregate classification (germline): Uncertain significance (1 of 4 stars; one submission).

Conditions:
Dyskeratosis congenita. Identifiers: Orphanet 1775, MedGen C0265965, MONDO:0015780.

Submission:

Labcorp Genetics (formerly Invitae), Labcorp
Classification: Uncertain significance for Dyskeratosis congenita. Last evaluated: 2024-04-25. Review status: criteria provided, single submitter. Criteria: Invitae Variant Classification Sherloc (09022015). Collection method: clinical testing. Allele origin: germline.
Comment: This sequence change replaces threonine, which is neutral and polar, with proline, which is neutral and non-polar, at codon 164 of the TINF2 protein (p.Thr164Pro). This variant is not present in population databases (gnomAD no frequency). This variant has not been reported in the literature in individuals affected with TINF2-related conditions. Algorithms developed to predict the effect of missense changes on protein structure and function output the following: SIFT: "Not Available"; PolyPhen-2: "Possibly Damaging"; Align-GVGD: "Not Available". The proline amino acid residue is found in multiple mammalian species, which suggests that this missense change does not adversely affect protein function. In summary, the available evidence is currently insufficient to determine the role of this variant in disease. Therefore, it has been classified as a Variant of Uncertain Significance.

NM_001099274.3(TINF2):c.490A>C (p.Thr164Pro)

Gene: TINF2 (TERF1 interacting nuclear factor 2; minus strand). Cytogenetic location: 14q12.
Variant type: single nucleotide variant.
Coding change: c.490A>C on transcript NM_001099274.3 (MANE Select); coding-DNA position 490, A replaced by C.
Protein change: p.Thr164Pro; replaces threonine 164 with proline.
Molecular consequence: missense variant.
Genome position (GRCh38, 1-based): chr14:24,241,221, T>G on the plus strand (A>C on the coding strand, the complement: TINF2 is on the minus strand). VCF-style: chr14-24241221-T-G. GRCh37 (hg19) VCF-style: chr14-24710427-T-G.
Other names: c.385A>C, p.Thr129Pro (NM_001363668.2); c.490A>C, p.Thr164Pro (NM_012461.3); short protein forms T129P, T164P.
Identifiers: ClinVar variation 3651235 (VCV003651235.2).